The following is an entry in ClinVar:

ClinVar aggregate classification (germline): Uncertain significance (1 of 4 stars; one submission).

gnomAD v4.1: 4 of 1,611,470 alleles (0.00025%); highest among the groups gnomAD compares: East Asian, 0.0089%; no homozygotes.

Submission:

Labcorp Genetics (formerly Invitae), Labcorp
Classification: Uncertain significance. Last evaluated: 2021-11-04. Review status: criteria provided, single submitter. Criteria: Invitae Variant Classification Sherloc (09022015). Collection method: clinical testing. Allele origin: germline.
Comment: Algorithms developed to predict the effect of missense changes on protein structure and function (SIFT, PolyPhen-2, Align-GVGD) all suggest that this variant is likely to be disruptive. In summary, the available evidence is currently insufficient to determine the role of this variant in disease. Therefore, it has been classified as a Variant of Uncertain Significance. This sequence change replaces proline, which is neutral and non-polar, with leucine, which is neutral and non-polar, at codon 979 of the MCM3AP protein (p.Pro979Leu). This variant is not present in population databases (gnomAD no frequency). This variant has not been reported in the literature in individuals affected with MCM3AP-related conditions.

NM_003906.5(MCM3AP):c.2936C>T (p.Pro979Leu)

Gene: MCM3AP (minichromosome maintenance complex component 3 associated protein; minus strand). Cytogenetic location: 21q22.3.
Variant type: single nucleotide variant.
Coding change: c.2936C>T on transcript NM_003906.5 (MANE Select); coding-DNA position 2936, C replaced by T.
Protein change: p.Pro979Leu; replaces proline 979 with leucine.
Molecular consequence: missense variant.
Genome position (GRCh38, 1-based): chr21:46,266,020, G>A on the plus strand (C>T on the coding strand, the complement: MCM3AP is on the minus strand). VCF-style: chr21-46266020-G-A. GRCh37 (hg19) VCF-style: chr21-47685934-G-A.
Other names: short protein forms P979L.
Identifiers: ClinVar variation 1468609 (VCV001468609.6), dbSNP rs2081107449, ClinGen allele CA410561549.